The following is an entry in ClinVar:

ClinVar aggregate classification (germline): Uncertain significance. Review status: criteria provided, multiple submitters, no conflicts (2 of 4 stars). 2 submissions from 2 submitters: Uncertain significance (2). Last evaluated 2025-06-10.

gnomAD v4.1: 103 of 1,611,326 alleles (0.0064%); highest among the groups gnomAD compares: Admixed American, 0.0083%; no homozygotes.

Submissions (2):

Ambry Genetics
Classification: Uncertain significance. Last evaluated: 2025-06-10. Review status: criteria provided, single submitter. Criteria: Ambry Variant Classification Scheme 2023. Collection method: clinical testing. Allele origin: germline.

Labcorp Genetics (formerly Invitae), Labcorp
Classification: Uncertain significance. Last evaluated: 2024-03-09. Review status: criteria provided, single submitter. Criteria: Invitae Variant Classification Sherloc (09022015). Collection method: clinical testing. Allele origin: germline.
Comment: This sequence change replaces alanine, which is neutral and non-polar, with threonine, which is neutral and polar, at codon 1438 of the MYH7B protein (p.Ala1438Thr). This variant is present in population databases (rs768728148, gnomAD 0.01%). This variant has not been reported in the literature in individuals affected with MYH7B-related conditions. Advanced modeling of protein sequence and biophysical properties (such as structural, functional, and spatial information, amino acid conservation, physicochemical variation, residue mobility, and thermodynamic stability) performed at Invitae indicates that this missense variant is not expected to disrupt MYH7B protein function with a negative predictive value of 80%. In summary, the available evidence is currently insufficient to determine the role of this variant in disease. Therefore, it has been classified as a Variant of Uncertain Significance.

NM_020884.7(MYH7B):c.4186G>A (p.Ala1396Thr)

Gene: MYH7B (myosin heavy chain 7B; plus strand). Cytogenetic location: 20q11.22.
Variant type: single nucleotide variant.
Coding change: c.4186G>A on transcript NM_020884.7 (MANE Select); coding-DNA position 4186, G replaced by A.
Protein change: p.Ala1396Thr; replaces alanine 1396 with threonine.
Molecular consequence: missense variant.
Genome position (GRCh38, 1-based): chr20:34,998,911, G>A. VCF-style: chr20-34998911-G-A. GRCh37 (hg19) VCF-style: chr20-33586714-G-A.
Other names: c.4312G>A (NM_020884.3); short protein forms A1396T.
Identifiers: ClinVar variation 3713954 (VCV003713954.3).
Genomic context (GRCh38, chr20:34,998,911, plus strand): 5'-GCCCAGTGGAGGAGCAAGTACGAAGCAGATGCCATCCAGAGGACCGAGGAGCTGGAGGAG[G>A]CCAAGTGAGTGCTTTGCTGGCCAGGCCACTGCCATGCAGAGCTTTATGCCTGTGCCTGAG-3'
Protein context (NP_065935.4, residues 1386-1406): AIQRTEELEE[Ala1396Thr]KKKLALRLQE